The following is an entry in ClinVar:

NM_001135629.3(PPP1R21):c.1981G>T (p.Glu661Ter)

Gene: PPP1R21 (protein phosphatase 1 regulatory subunit 21; plus strand). Cytogenetic location: 2p16.3.
Variant type: single nucleotide variant.
Coding change: c.1981G>T on transcript NM_001135629.3 (MANE Select); coding-DNA position 1981, G replaced by T.
Protein change: p.Glu661Ter; replaces glutamic acid 661 with a stop codon.
Molecular consequence: nonsense. On other transcripts: non-coding transcript variant (1).
Genome position (GRCh38, 1-based): chr2:48,507,281, G>T. VCF-style: chr2-48507281-G-T. GRCh37 (hg19) VCF-style: chr2-48734420-G-T.
Other names: c.1855G>T, p.Glu619Ter (NM_001193475.2); c.1948G>T, p.Glu650Ter (NM_152994.5); short protein forms E650*, E661*, E619*.
Identifiers: ClinVar variation 2149078 (VCV002149078.1), dbSNP rs2529033786, ClinGen allele CA346736292.
Genomic context (GRCh38, chr2:48,507,281, plus strand): 5'-TCATCTCACTGGTACTTGTTTATTTATGTGTATTTGTGTTCTATTTAGGTTCCAGATGTG[G>T]AATCTCGTGAAGACTTAATTAAAAATCACTACATGGCAAGGATAGTGGAACTTACGTCTC-3'

ClinVar aggregate classification (germline): Pathogenic (1 of 4 stars; one submission).

Submission:

Labcorp Genetics (formerly Invitae), Labcorp
Classification: Pathogenic. Last evaluated: 2022-07-05. Review status: criteria provided, single submitter. Criteria: Invitae Variant Classification Sherloc (09022015). Collection method: clinical testing. Allele origin: germline.
Comment: This sequence change creates a premature translational stop signal (p.Glu661*) in the PPP1R21 gene. It is expected to result in an absent or disrupted protein product. Loss-of-function variants in PPP1R21 are known to be pathogenic (PMID: 30520571). This variant is not present in population databases (gnomAD no frequency). This variant has not been reported in the literature in individuals affected with PPP1R21-related conditions. For these reasons, this variant has been classified as Pathogenic.

Literature cited by the submitters: PubMed 30520571.